The following is an entry in ClinVar:

ClinVar aggregate classification (germline): Likely pathogenic (1 of 4 stars; one submission).

Conditions:
Combined malonic and methylmalonic acidemia. Identifiers: Orphanet 289504, MedGen C3280314, MONDO:0013661, OMIM 614265.

Submission:

Natera, Inc.
Classification: Likely pathogenic for Combined malonic and methylmalonic aciduria. Last evaluated: 2025-06-30. Review status: criteria provided, single submitter. Criteria: Natera Variant Classification Schema (03/2026). Collection method: clinical testing. Allele origin: germline.
Comment: The c.1427_1428insTC variant in ACSF3 is a frameshift variant predicted to shift the reading frame beginning at codon 477 and leads to a stop codon 29 codons downstream. This variant is expected to result in nonsense mediated decay, truncation, or a dysfunctional protein product. This variant is rare in the general population with a frequency below the threshold expected for the associated phenotype(s). Given the available evidence, this variant is classified as Likely Pathogenic.

NM_001243279.3(ACSF3):c.1427_1428insTC (p.Ile477fs)

Gene: ACSF3 (acyl-CoA synthetase family member 3; plus strand). Cytogenetic location: 16q24.3.
Variant type: Insertion.
Coding change: c.1427_1428insTC on transcript NM_001243279.3 (MANE Select); coding-DNA positions 1427 to 1428, TC inserted.
Protein change: p.Ile477fs; shifts the reading frame from isoleucine 477.
Molecular consequence: frameshift variant. On other transcripts: non-coding transcript variant (4).
Genome position: GRCh38 VCF-style: chr16-89145327-T-TTC. GRCh37 (hg19) VCF-style: chr16-89211735-T-TTC.
Other names: c.1427_1428insTC, p.Ile477fs (NM_001127214.4, NM_174917.5); c.632_633insTC, p.Ile212fs (NM_001284316.2); short protein forms I212fs, I477fs.
Identifiers: ClinVar variation 4816968 (VCV004816968.1).